The following is an entry in ClinVar:

NM_000836.4(GRIN2D):c.2779C>T (p.Pro927Ser)

Gene: GRIN2D (glutamate ionotropic receptor NMDA type subunit 2D; plus strand). Cytogenetic location: 19q13.33.
Variant type: single nucleotide variant.
Coding change: c.2779C>T on transcript NM_000836.4 (MANE Select); coding-DNA position 2779, C replaced by T.
Protein change: p.Pro927Ser; replaces proline 927 with serine.
Molecular consequence: missense variant.
Genome position (GRCh38, 1-based): chr19:48,442,705, C>T. VCF-style: chr19-48442705-C-T. GRCh37 (hg19) VCF-style: chr19-48945962-C-T.
Other names: short protein forms P927S.
Identifiers: ClinVar variation 1467781 (VCV001467781.6), dbSNP rs2147476068, ClinGen allele CA406673615.

ClinVar aggregate classification (germline): Uncertain significance (1 of 4 stars; one submission).

Submission:

Labcorp Genetics (formerly Invitae), Labcorp
Classification: Uncertain significance. Last evaluated: 2022-06-20. Review status: criteria provided, single submitter. Criteria: Invitae Variant Classification Sherloc (09022015). Collection method: clinical testing. Allele origin: germline.
Comment: In summary, the available evidence is currently insufficient to determine the role of this variant in disease. Therefore, it has been classified as a Variant of Uncertain Significance. Advanced modeling of protein sequence and biophysical properties (such as structural, functional, and spatial information, amino acid conservation, physicochemical variation, residue mobility, and thermodynamic stability) performed at Invitae indicates that this missense variant is not expected to disrupt GRIN2D protein function. This variant has not been reported in the literature in individuals affected with GRIN2D-related conditions. The frequency data for this variant in the population databases is considered unreliable, as metrics indicate insufficient coverage at this position in the gnomAD database. This sequence change replaces proline, which is neutral and non-polar, with serine, which is neutral and polar, at codon 927 of the GRIN2D protein (p.Pro927Ser).